The following is an entry in ClinVar:

ClinVar aggregate classification (germline): Benign/Likely benign. Review status: criteria provided, multiple submitters, no conflicts (2 of 4 stars). 5 submissions from 5 submitters: Benign (4); Likely benign (1). Last evaluated 2026-02-01.

Conditions:
Congenital stationary night blindness 1G. Identifiers: Orphanet 215, MedGen C4225345, MONDO:0014614, OMIM 616389.
Congenital stationary night blindness autosomal dominant 3. Also called: NIGHT BLINDNESS, CONGENITAL STATIONARY, NOUGARET TYPE. Identifiers: Orphanet 215, MedGen C1864870, MONDO:0012497, OMIM 610444.

Allele frequency attached by ClinVar (database versions not stated): ESP Exome Variant Server 0.00046; gnomAD 0.00368 and 0.00447; gnomAD exomes 0.00375 and 0.01322; TOPMed 0.00764; ExAC 0.01301; 1000 Genomes Project 0.01398; 1000 Genomes Project 30x 0.01546.
gnomAD v4.1: 6,117 of 1,612,834 alleles (0.38%); highest among the groups gnomAD compares: Admixed American, 6.4%; 225 homozygotes.

Submissions (5):

Labcorp Genetics (formerly Invitae), Labcorp
Classification: Benign. Last evaluated: 2026-02-01. Review status: criteria provided, single submitter. Criteria: Invitae Variant Classification Sherloc (09022015). Collection method: clinical testing. Allele origin: germline.

Fulgent Genetics
Classification: Likely benign for Congenital stationary night blindness autosomal dominant 3; Congenital stationary night blindness 1G. Last evaluated: 2021-12-09. Review status: criteria provided, single submitter. Criteria: ACMG Guidelines, 2015. Collection method: clinical testing. Allele origin: unknown.

GeneDx
Classification: Benign. Last evaluated: 2021-05-05. Review status: criteria provided, single submitter. Criteria: GeneDx Variant Classification Process June 2021. Collection method: clinical testing. Allele origin: germline. Affected: yes.

Illumina Laboratory Services, Illumina
Classification: Benign for Congenital stationary night blindness autosomal dominant 3. Last evaluated: 2018-01-13. Review status: criteria provided, single submitter. Criteria: ICSL Variant Classification Criteria 13 December 2019. Collection method: clinical testing. Allele origin: germline.
Comment: This variant was observed in the ICSL laboratory as part of a predisposition screen in an ostensibly healthy population. It had not been previously curated by ICSL or reported in the Human Gene Mutation Database (HGMD: prior to June 1st, 2018), and was therefore a candidate for classification through an automated scoring system. Utilizing variant allele frequency, disease prevalence and penetrance estimates, and inheritance mode, an automated score was calculated to assess if this variant is too frequent to cause the disease. Based on the score and internal cut-off values, a variant classified as benign is not then subjected to further curation. The score for this variant resulted in a classification of benign for this disease.

Breakthrough Genomics
Classification: Benign. Review status: criteria provided, single submitter. Criteria: ACMG Guidelines, 2015. Collection method: not provided. Allele origin: germline. Inheritance: Autosomal recessive inheritance. Affected: yes.

NM_144499.3(GNAT1):c.675C>T (p.Ala225=)

Gene: GNAT1 (G protein subunit alpha transducin 1; plus strand). Cytogenetic location: 3p21.31.
Variant type: single nucleotide variant.
Coding change: c.675C>T on transcript NM_144499.3 (MANE Select); coding-DNA position 675, C replaced by T.
Protein change: p.Ala225=; no amino-acid change (alanine 225 retained).
Molecular consequence: synonymous variant.
Genome position (GRCh38, 1-based): chr3:50,194,188, C>T. VCF-style: chr3-50194188-C-T. GRCh37 (hg19) VCF-style: chr3-50231621-C-T.
Other names: c.675C>T, p.Ala225= (NM_000172.4).
Identifiers: ClinVar variation 346050 (VCV000346050.16), dbSNP rs4688684, ClinGen allele CA2412670.